The following is an entry in ClinVar:

NM_001130009.3(GEN1):c.1853dup (p.Ser619fs)

Gene: GEN1 (GEN1 structure-specific endonuclease; plus strand). Cytogenetic location: 2p24.2.
Variant type: Duplication.
Coding change: c.1853dup on transcript NM_001130009.3 (MANE Select); coding-DNA position 1853, one base duplicated (T; older notation c.1853dupT).
Protein change: p.Ser619fs; shifts the reading frame from serine 619.
Molecular consequence: frameshift variant.
Genome position (GRCh38, 1-based): chr2:17,781,065, T duplicated. VCF-style (leftmost placement, unchanged base first): chr2-17781064-C-CT. GRCh37 (hg19) VCF-style: chr2-17962331-C-CT.
Other names: c.1853dup, p.Ser619fs (NM_182625.5); short protein forms S619fs.
Identifiers: ClinVar variation 1428677 (VCV001428677.6), dbSNP rs1672806030, ClinGen allele CA2491976445.

ClinVar aggregate classification (germline): Uncertain significance (1 of 4 stars; one submission).

Allele frequency attached by ClinVar (database versions not stated): TOPMed below 0.00001.

Submission:

Labcorp Genetics (formerly Invitae), Labcorp
Classification: Uncertain significance. Last evaluated: 2021-08-07. Review status: criteria provided, single submitter. Criteria: Invitae Variant Classification Sherloc (09022015). Collection method: clinical testing. Allele origin: germline.
Comment: This sequence change creates a premature translational stop signal (p.Ser619Ilefs*5) in the GEN1 gene. While this is not anticipated to result in nonsense mediated decay, it is expected to disrupt the last 290 amino acid(s) of the GEN1 protein. This variant is not present in population databases (ExAC no frequency). This variant has not been reported in the literature in individuals affected with GEN1-related conditions. Experimental studies and prediction algorithms are not available or were not evaluated, and the functional significance of this variant is currently unknown. In summary, the available evidence is currently insufficient to determine the role of this variant in disease. Therefore, it has been classified as a Variant of Uncertain Significance.